The following is an entry in ClinVar:

ClinVar aggregate classification (germline): Uncertain significance (1 of 4 stars; one submission).

Conditions:
Left ventricular noncompaction 8 (LVNC8). Identifiers: Orphanet 154, Orphanet 54260, MedGen C3809288, MONDO:0014152, OMIM 615373.

Submission:

Labcorp Genetics (formerly Invitae), Labcorp
Classification: Uncertain significance for Left ventricular noncompaction 8. Last evaluated: 2018-08-29. Review status: criteria provided, single submitter. Criteria: Invitae Variant Classification Sherloc (09022015). Collection method: clinical testing. Allele origin: germline.
Comment: This variant results in a copy number gain of the genomic region encompassing exon 1 of the PRDM16 gene. The 5' end of this event is unknown as it extends beyond the assayed region for this gene and therefore may encompass additional genes. The 3' boundary is likely confined to intron 1 of the PRDM16 gene. As the precise location of this event is unknown, it may be in tandem or it may be located elsewhere in the genome. In summary, the available evidence is currently insufficient to determine the role of this variant in disease. Therefore, it has been classified as a Variant of Uncertain Significance. This variant has not been reported in the literature in individuals with PRDM16-related disease.

NC_000001.10:g.(?_2985804)_(2985880_?)dup

Genes: PRDM16 (PR/SET domain 16; plus strand), PRDM16-DT (PRDM16 divergent transcript; minus strand). Cytogenetic location: 1p36.32.
Variant type: Duplication.
Identifiers: ClinVar variation 649061 (VCV000649061.6).